The following is an entry in ClinVar:

ClinVar aggregate classification (germline): Pathogenic/Likely pathogenic. Review status: criteria provided, multiple submitters, no conflicts (2 of 4 stars). 5 submissions from 5 submitters: Pathogenic (1); Likely pathogenic (3). 1 of the submissions does not count toward it. Last evaluated 2025-01-10.

Conditions:
CHD7-related disorder. Also called: CHD7-related condition.
CHARGE syndrome (CHARGE). Also called: Hittner Hirsch Kreh syndrome; CHARGE ASSOCIATION--COLOBOMA, HEART ANOMALY, CHOANAL ATRESIA, RETARDATION, GENITAL AND EAR ANOMALIES; Coloboma, heart anomaly, choanal atresia, retardation, genital and ear anomalies; CHARGE association; Hall-Hittner syndrome. Identifiers: Orphanet 138, MedGen C0265354, MONDO:0008965.
Inborn genetic diseases. Identifiers: MedGen C0950123, MeSH D030342.

Submissions (5):

Ambry Genetics
Classification: Likely pathogenic for Inborn genetic diseases. Last evaluated: 2025-01-10. Review status: criteria provided, single submitter. Criteria: Ambry Variant Classification Scheme 2023. Collection method: clinical testing. Allele origin: germline.
Comment: The c.3302G>A (p.C1101Y) alteration is located in exon 13 (coding exon 12) of the CHD7 gene. This alteration results from a G to A substitution at nucleotide position 3302, causing the cysteine (C) at amino acid position 1101 to be replaced by a tyrosine (Y). This variant was not reported in population-based cohorts in the Genome Aggregation Database (gnomAD). This variant was reported in individual(s) with features consistent with or suggestive of CHARGE syndrome (Jongmans, 2006; Bergman, 2011). Other variant(s) at the same codon, c.3301T>C (p.C1101R), have been identified in individual(s) with features consistent with CHARGE syndrome (Bergman, 2011; Zhang, 2019; Bowling, 2022). This amino acid position is highly conserved in available vertebrate species. This alteration is predicted to be deleterious by in silico analysis. Based on the available evidence, this alteration is classified as likely pathogenic.

PreventionGenetics, part of Exact Sciences
Classification: Likely pathogenic for CHD7-related condition. Last evaluated: 2022-10-28. Review status: criteria provided, single submitter. Criteria: ACMG Guidelines, 2015. Collection method: clinical testing. Allele origin: germline.
Comment: The CHD7 c.3302G>A variant is predicted to result in the amino acid substitution p.Cys1101Tyr. This variant has been previously reported in individuals with CHARGE syndrome (Jongmans et al. 2006. PubMed ID: 16155193; Bergman et al. 2012. PubMed ID: 22539353, Supplementary Table S1). A different missense variant affecting the same amino acid (c.3301T>C; p.Cys1101Arg) has also been reported in individuals with CHARGE syndrome and occurred de novo in at least one patient (Bergman et al. 2012. PubMed ID: 22539353, Supplementary Table S1). This variant has not been reported in a large population database, indicating this variant is rare. This variant is interpreted as likely pathogenic.

Labcorp Genetics (formerly Invitae), Labcorp
Classification: Likely pathogenic for CHARGE syndrome. Last evaluated: 2021-08-11. Review status: criteria provided, single submitter. Criteria: Invitae Variant Classification Sherloc (09022015). Collection method: clinical testing. Allele origin: germline.
Comment: ClinVar contains an entry for this variant (Variation ID: 449371). This missense change has been observed in individual(s) with CHARGE syndrome (PMID: 20884005, 22539353). This variant is not present in population databases (ExAC no frequency). This sequence change replaces cysteine with tyrosine at codon 1101 of the CHD7 protein (p.Cys1101Tyr). The cysteine residue is highly conserved and there is a large physicochemical difference between cysteine and tyrosine. In summary, the currently available evidence indicates that the variant is pathogenic, but additional data are needed to prove that conclusively. Therefore, this variant has been classified as Likely Pathogenic. This variant disrupts the Cys1101 amino acid residue in CHD7. Other variant(s) that disrupt this residue have been determined to be pathogenic (PMID: 20884005; Invitae). This suggests that this residue is clinically significant, and that variants that disrupt this residue are likely to be disease-causing. Advanced modeling of protein sequence and biophysical properties (such as structural, functional, and spatial information, amino acid conservation, physicochemical variation, residue mobility, and thermodynamic stability) performed at Invitae indicates that this missense variant is expected to disrupt CHD7 protein function.

GeneDx
Classification: Pathogenic. Last evaluated: 2017-08-15. Review status: criteria provided, single submitter. Criteria: GeneDx Variant Classification (06012015). Collection method: clinical testing. Allele origin: germline. Affected: yes.
Comment: The C1101Y pathogenic variant in the CHD7 gene has been reported previously in at least one individual with clinical features suggestive of CHARGE syndrome, but segregation information was not provided on this family (Jongmans et al., 2006; Bergman et al., 2012). The C1101Y variant is not observed in large population cohorts (Lek et al., 2016; 1000 Genomes Consortium et al., 2015; Exome Variant Server). The C1101Y variant is a non-conservative amino acid substitution, which is likely to impact secondary protein structure as these residues differ in polarity, charge, size and/or other properties. This substitution occurs at a position in the helicase ATP-binding domain that is conserved across species, and in silico analysis predicts this variant is probably damaging to the protein structure/function. A different missense variant at the same residue (C1101R) has been reported in individuals with CHARGE syndrome (Bergman et al., 2012), supporting the functional importance of this residue. We interpret C1101Y as a pathogenic variant.

Gharavi Laboratory, Columbia University
Classification: Likely pathogenic for CHARGE syndrome. Last evaluated: 2024-11-05. Review status: no assertion criteria provided. Criteria: ACMG Guidelines, 2015. Collection method: case-control. Allele origin: germline. Affected: yes. Not counted in ClinVar's aggregate classification.

Literature cited by the submitters: PubMed 16155193 (cited by Ambry Genetics); PubMed 20884005 (cited by Ambry Genetics and Labcorp Genetics (formerly Invitae), Labcorp); PubMed 32851286 (cited by Ambry Genetics); PubMed 34930662 (cited by Ambry Genetics); PubMed 22539353 (cited by Labcorp Genetics (formerly Invitae), Labcorp).

NM_017780.4(CHD7):c.3302G>A (p.Cys1101Tyr)

Gene: CHD7 (chromodomain helicase DNA binding protein 7; plus strand). Cytogenetic location: 8q12.2.
Variant type: single nucleotide variant.
Coding change: c.3302G>A on transcript NM_017780.4 (MANE Select); coding-DNA position 3302, G replaced by A.
Protein change: p.Cys1101Tyr; replaces cysteine 1101 with tyrosine.
Molecular consequence: missense variant. On other transcripts: intron variant (1).
Genome position (GRCh38, 1-based): chr8:60,823,940, G>A. VCF-style: chr8-60823940-G-A. GRCh37 (hg19) VCF-style: chr8-61736499-G-A.
Other names: c.3302G>A (NM_017780.3, LRG_176t1); c.1717-38289G>A (NM_001316690.1); short protein forms C1101Y.
Identifiers: ClinVar variation 449371 (VCV000449371.10), dbSNP rs1554598013, ClinGen allele CA371312211.